The following is an entry in ClinVar:

ClinVar aggregate classification (germline): Uncertain significance. Review status: criteria provided, multiple submitters, no conflicts (2 of 4 stars). 2 submissions from 2 submitters: Uncertain significance (2). Last evaluated 2022-02-18.

Conditions:
Bethlem myopathy 1A. Also called: MYOPATHY, BENIGN CONGENITAL, WITH CONTRACTURES; Bethlem myopathy 1; Bethlem Muscular Dystrophy. Identifiers: Orphanet 610, MedGen CN029274, MONDO:0024530, OMIM 158810.

gnomAD v4.1: 5 of 1,552,620 alleles (0.00032%); highest among the groups gnomAD compares: Non-Finnish European, 0.00044%; no homozygotes.

Submissions (2):

Labcorp Genetics (formerly Invitae), Labcorp
Classification: Uncertain significance for Bethlem myopathy 1A. Last evaluated: 2022-02-18. Review status: criteria provided, single submitter. Criteria: Invitae Variant Classification Sherloc (09022015). Collection method: clinical testing. Allele origin: germline.
Comment: ClinVar contains an entry for this variant (Variation ID: 499369). This variant has not been reported in the literature in individuals affected with COL6A1-related conditions. This variant is not present in population databases (gnomAD no frequency). This sequence change replaces histidine, which is basic and polar, with tyrosine, which is neutral and polar, at codon 181 of the COL6A1 protein (p.His181Tyr). Algorithms developed to predict the effect of missense changes on protein structure and function are either unavailable or do not agree on the potential impact of this missense change (SIFT: "Deleterious"; PolyPhen-2: "Not Available"; Align-GVGD: "Class C0"). In summary, the available evidence is currently insufficient to determine the role of this variant in disease. Therefore, it has been classified as a Variant of Uncertain Significance.

Eurofins Ntd Llc (ga)
Classification: Uncertain significance. Last evaluated: 2018-08-10. Review status: criteria provided, single submitter. Criteria: EGL ClinVar v180209 classification definitions. Collection method: clinical testing. Allele origin: germline. Observed: 2 variant alleles, 2 heterozygotes.

NM_001848.3(COL6A1):c.541C>T (p.His181Tyr)

Gene: COL6A1 (collagen type VI alpha 1 chain; plus strand). Cytogenetic location: 21q22.3.
Variant type: single nucleotide variant.
Coding change: c.541C>T on transcript NM_001848.3 (MANE Select); coding-DNA position 541, C replaced by T.
Protein change: p.His181Tyr; replaces histidine 181 with tyrosine.
Molecular consequence: missense variant.
Genome position (GRCh38, 1-based): chr21:45,986,638, C>T. VCF-style: chr21-45986638-C-T. GRCh37 (hg19) VCF-style: chr21-47406552-C-T.
Other names: short protein forms H181Y.
Identifiers: ClinVar variation 499369 (VCV000499369.9), dbSNP rs1556424938, ClinGen allele CA410518132.